The following is an entry in ClinVar:

NM_006502.3(POLH):c.*4959T>A

Gene: POLH (DNA polymerase eta; plus strand). Cytogenetic location: 6p21.1.
Variant type: single nucleotide variant.
Coding change: c.*4959T>A on transcript NM_006502.3 (MANE Select); 4959 bases downstream of the stop codon, T replaced by A.
Molecular consequence: 3 prime UTR variant.
Genome position (GRCh38, 1-based): chr6:43,619,516, T>A. VCF-style: chr6-43619516-T-A. GRCh37 (hg19) VCF-style: chr6-43587253-T-A.
Other names: c.*4959T>A (NM_001291969.2); c.*5785T>A (NM_001291970.2).
Identifiers: ClinVar variation 909086 (VCV000909086.4), dbSNP rs185032976, ClinGen allele CA138309706.

ClinVar aggregate classification (germline): Likely benign (1 of 4 stars; one submission).

Conditions:
Xeroderma pigmentosum variant type. Also called: POLH-Related Xeroderma Pigmentosum; PHOTOSENSITIVITY WITH DEFECTIVE DNA SYNTHESIS; XERODERMA PIGMENTOSUM WITH NORMAL DNA REPAIR RATES. Identifiers: Orphanet 90342, MedGen C1848410, MONDO:0010214, OMIM 278750.

Allele frequency attached by ClinVar (database versions not stated): gnomAD 0.00089 and 0.00093; TOPMed 0.00093; 1000 Genomes Project 0.00220; 1000 Genomes Project 30x 0.00234.
gnomAD v4.1: 134 of 152,178 alleles (0.088%); highest among the groups gnomAD compares: African/African-American, 0.3%; no homozygotes.

Submission:

Illumina Laboratory Services, Illumina
Classification: Likely benign for Xeroderma pigmentosum variant type. Last evaluated: 2018-01-12. Review status: criteria provided, single submitter. Criteria: ICSL Variant Classification Criteria 13 December 2019. Collection method: clinical testing. Allele origin: germline.
Comment: This variant was observed in the ICSL laboratory as part of a predisposition screen in an ostensibly healthy population. It had not been previously curated by ICSL or reported in the Human Gene Mutation Database (HGMD: prior to June 1st, 2018), and was therefore a candidate for classification through an automated scoring system. Utilizing variant allele frequency, disease prevalence and penetrance estimates, and inheritance mode, an automated score was calculated to assess if this variant is too frequent to cause the disease. Based on the score and internal cut-off values, a variant classified as likely benign is not then subjected to further curation. The score for this variant resulted in a classification of likely benign for this disease.